The following is an entry in ClinVar:

NM_053025.4(MYLK):c.1309G>T (p.Val437Phe)

Gene: MYLK (myosin light chain kinase; minus strand). Cytogenetic location: 3q21.1.
Variant type: single nucleotide variant.
Coding change: c.1309G>T on transcript NM_053025.4 (MANE Select); coding-DNA position 1309, G replaced by T.
Protein change: p.Val437Phe; replaces valine 437 with phenylalanine.
Molecular consequence: missense variant.
Genome position (GRCh38, 1-based): chr3:123,733,687, C>A on the plus strand (G>T on the coding strand, the complement: MYLK is on the minus strand). VCF-style: chr3-123733687-C-A. GRCh37 (hg19) VCF-style: chr3-123452534-C-A.
Other names: c.781G>T, p.Val261Phe (NM_001321309.2); c.1309G>T, p.Gly437Trp (NM_053026.4, NM_053028.4); c.1309G>T, p.Val437Phe (NM_053027.4); short protein forms G437W, V261F, V437F.
Identifiers: ClinVar variation 1712907 (VCV001712907.6), dbSNP rs778260338, ClinGen allele CA82942871.

ClinVar aggregate classification (germline): Uncertain significance. Review status: criteria provided, multiple submitters, no conflicts (2 of 4 stars). 4 submissions from 4 submitters: Uncertain significance (4). Last evaluated 2026-04-02.

Conditions:
Familial thoracic aortic aneurysm and aortic dissection (TAAD). Also called: Thoracic aortic aneurysms and dissections. Identifiers: Orphanet 91387, MedGen C4707243, MONDO:0019625.
Aortic aneurysm, familial thoracic 7 (AAT7). Also called: AORTIC DISSECTION, FAMILIAL, WITH OR WITHOUT AORTIC ANEURYSM. Identifiers: MedGen C3151077, MONDO:0013418, OMIM 613780.

Allele frequency attached by ClinVar (database versions not stated): gnomAD 0.00002; TOPMed 0.00002.
gnomAD v4.1: 23 of 1,613,892 alleles (0.0014%); highest among the groups gnomAD compares: Non-Finnish European, 0.0018%; no homozygotes.

Submissions (4):

Dasa
Classification: Uncertain significance. Last evaluated: 2026-04-02. Review status: criteria provided, single submitter. Criteria: DASA Assertion Criteria. Collection method: clinical testing. Allele origin: germline.
Comment: NM_053025.4(MYLK):c.1309G>T (p.Val437Phe) is a missense variant that results in the substitution of valine with phenylalanine. This variant has been observed in affected individuals with MYLK-related disorders. Also, this variant is rare in population databases. Computational prediction algorithms are consistent with a deleterious effect. The currently available literature and clinical evidence are not sufficient to establish a definitive association between this variant and the reported condition. Therefore, this variant is classified as a variant of uncertain significance.

Ambry Genetics
Classification: Uncertain significance for Familial thoracic aortic aneurysm and aortic dissection. Last evaluated: 2024-09-04. Review status: criteria provided, single submitter. Criteria: Ambry Variant Classification Scheme 2023. Collection method: clinical testing. Allele origin: germline.
Comment: The p.V437F variant (also known as c.1309G>T), located in coding exon 7 of the MYLK gene, results from a G to T substitution at nucleotide position 1309. The valine at codon 437 is replaced by phenylalanine, an amino acid with highly similar properties. However, this change occurs in the last base pair of coding exon 7, which makes it likely to have some effect on normal mRNA splicing. This nucleotide position is highly conserved in available vertebrate species. This amino acid position is highly conserved in available vertebrate species. In silico splice site analysis predicts that this alteration may weaken the native splice donor site. In addition, as a missense substitution, this is predicted to be inconclusive by in silico analysis. Since supporting evidence is limited at this time, the clinical significance of this alteration remains unclear.

Labcorp Genetics (formerly Invitae), Labcorp
Classification: Uncertain significance for Aortic aneurysm, familial thoracic 7. Last evaluated: 2024-08-30. Review status: criteria provided, single submitter. Criteria: Invitae Variant Classification Sherloc (09022015). Collection method: clinical testing. Allele origin: germline.
Comment: This sequence change replaces valine, which is neutral and non-polar, with phenylalanine, which is neutral and non-polar, at codon 437 of the MYLK protein (p.Val437Phe). This variant also falls at the last nucleotide of exon 10, which is part of the consensus splice site for this exon. This variant is present in population databases (rs778260338, gnomAD 0.004%). This variant has not been reported in the literature in individuals affected with MYLK-related conditions. ClinVar contains an entry for this variant (Variation ID: 1712907). An algorithm developed to predict the effect of missense changes on protein structure and function (PolyPhen-2) suggests that this variant is likely to be disruptive. Variants that disrupt the consensus splice site are a relatively common cause of aberrant splicing (PMID: 17576681, 9536098). Algorithms developed to predict the effect of sequence changes on RNA splicing suggest that this variant may disrupt the consensus splice site. In summary, the available evidence is currently insufficient to determine the role of this variant in disease. Therefore, it has been classified as a Variant of Uncertain Significance.

GeneDx
Classification: Uncertain significance. Last evaluated: 2024-01-30. Review status: criteria provided, single submitter. Criteria: GeneDx Variant Classification Process June 2021. Collection method: clinical testing. Allele origin: germline.
Comment: Has not been previously published as pathogenic or benign to our knowledge; Not observed at significant frequency in large population cohorts (gnomAD); At the protein level, in silico analysis supports that this missense variant does not alter protein structure/function; At the mRNA level, in silico analysis is inconclusive as to whether the variant alters gene splicing. In the absence of RNA/functional studies, the actual effect of this sequence change is unknown.

Literature cited by the submitters: PubMed 17576681 (cited by Labcorp Genetics (formerly Invitae), Labcorp); PubMed 9536098 (cited by Labcorp Genetics (formerly Invitae), Labcorp).